The following is an entry in ClinVar:

ClinVar aggregate classification (germline): Uncertain significance. Review status: criteria provided, multiple submitters, no conflicts (2 of 4 stars). 2 submissions from 2 submitters: Uncertain significance (2). Last evaluated 2025-10-01.

Conditions:
Pitt-Hopkins-like syndrome 2 (PTHSL2). Identifiers: Orphanet 221150, Orphanet 600663, MedGen C3280479, MONDO:0013690, OMIM 614325.

Allele frequency attached by ClinVar (database versions not stated): gnomAD 0.00001; TOPMed 0.00001.
gnomAD v4.1: 10 of 1,613,940 alleles (0.00062%); highest among the groups gnomAD compares: Admixed American, 0.0067%; no homozygotes.

Submissions (2):

Labcorp Genetics (formerly Invitae), Labcorp
Classification: Uncertain significance for Pitt-Hopkins-like syndrome 2. Last evaluated: 2025-10-01. Review status: criteria provided, single submitter. Criteria: Invitae Variant Classification Sherloc (09022015). Collection method: clinical testing. Allele origin: germline.
Comment: This sequence change replaces glutamic acid, which is acidic and polar, with glutamine, which is neutral and polar, at codon 1328 of the NRXN1 protein (p.Glu1328Gln). This variant is present in population databases (no rsID available, gnomAD 0.006%). This variant has not been reported in the literature in individuals affected with NRXN1-related conditions. ClinVar contains an entry for this variant (Variation ID: 1409397). Invitae Evidence Modeling of protein sequence and biophysical properties (such as structural, functional, and spatial information, amino acid conservation, physicochemical variation, residue mobility, and thermodynamic stability) indicates that this missense variant is not expected to disrupt NRXN1 protein function with a negative predictive value of 80%. In summary, the available evidence is currently insufficient to determine the role of this variant in disease. Therefore, it has been classified as a Variant of Uncertain Significance.

Blueprint Genetics
Classification: Uncertain significance. Last evaluated: 2024-03-08. Review status: criteria provided, single submitter. Criteria: ACMG Guidelines, 2015. Collection method: clinical testing. Allele origin: germline.

NM_001330078.2(NRXN1):c.3862G>C (p.Glu1288Gln)

Gene: NRXN1 (neurexin 1; minus strand). Cytogenetic location: 2p16.3.
Variant type: single nucleotide variant.
Coding change: c.3862G>C on transcript NM_001330078.2 (MANE Select); coding-DNA position 3862, G replaced by C.
Protein change: p.Glu1288Gln; replaces glutamic acid 1288 with glutamine.
Molecular consequence: missense variant.
Genome position (GRCh38, 1-based): chr2:50,053,537, C>G on the plus strand (G>C on the coding strand, the complement: NRXN1 is on the minus strand). VCF-style: chr2-50053537-C-G. GRCh37 (hg19) VCF-style: chr2-50280675-C-G.
Other names: c.3982G>C, p.Glu1328Gln (NM_001135659.3); c.3838G>C, p.Glu1280Gln (NM_001330077.2, NM_001330082.2); c.3706G>C, p.Glu1236Gln (NM_001330083.2); c.3796G>C, p.Glu1266Gln (NM_001330084.2); c.3835G>C, p.Glu1279Gln (NM_001330085.2); c.3862G>C, p.Glu1288Gln (NM_001330086.2); c.3661G>C, p.Glu1221Gln (NM_001330087.2, NM_001330096.2); c.3691G>C, p.Glu1231Gln (NM_001330088.2); and 6 more; short protein forms E1279Q, E1284Q, E253Q, E1221Q, E1266Q, E1287Q, E1236Q, E1280Q.
Identifiers: ClinVar variation 1409397 (VCV001409397.7), dbSNP rs1296611968, ClinGen allele CA346819894.